The following is an entry in ClinVar:

NM_001098845.3(ANXA8L1):c.951C>T (p.Asn317=)

Gene: ANXA8L1 (annexin A8 like 1; plus strand). Cytogenetic location: 10q11.22.
Variant type: single nucleotide variant.
Coding change: c.951C>T on transcript NM_001098845.3 (MANE Select); coding-DNA position 951, C replaced by T.
Protein change: p.Asn317=; no amino-acid change (asparagine 317 retained).
Molecular consequence: synonymous variant.
Genome position (GRCh38, 1-based): chr10:46,390,897, C>T. VCF-style: chr10-46390897-C-T. GRCh37 (hg19) VCF-style: chr10-47158870-G-A.
Other names: c.780C>T, p.Asn260= (NM_001278923.2); c.798C>T, p.Asn266= (NM_001278924.2).
Identifiers: ClinVar variation 2640434 (VCV002640434.24), dbSNP rs184551877, ClinGen allele CA665683440.
Genomic context (GRCh38, chr10:46,390,897, plus strand): 5'-CCCCTTCTCACGCTTATGCGCCTCCTACCCACAGGAAGACACCAGCGGCGACTACAAGAA[C>T]GCCCTGCTGAGCCTGGTGGGCAGCGACCCCTGAGGCACAGAAGAACAAGAGCAAAGACCA-3'
Protein context (NP_001092315.2, residues 307-327): IMEDTSGDYK[Asn317=]ALLSLVGSDP

ClinVar aggregate classification (germline): Benign (1 of 4 stars; one submission).

Allele frequency attached by ClinVar (database versions not stated): 1000 Genomes Project 0.00200; 1000 Genomes Project 30x 0.00219; gnomAD 0.00227; gnomAD exomes 0.00383; ESP Exome Variant Server 0.00422; ExAC 0.00704.
gnomAD v4.1: 5,164 of 1,383,090 alleles (0.37%); highest among the groups gnomAD compares: Middle Eastern, 0.58%; 1,110 homozygotes.

Submission:

CeGaT Center for Human Genetics Tuebingen
Classification: Benign. Last evaluated: 2023-10-01. Review status: criteria provided, single submitter. Criteria: CeGaT Center For Human Genetics Tuebingen Variant Classification Criteria Version 2. Collection method: clinical testing. Allele origin: germline. Affected: yes. Observed: 5 variant alleles.
Comment: ANXA8L1: BS1, BS2